The following is an entry in ClinVar:

ClinVar aggregate classification (germline): Benign (0 of 4 stars; one submission).

Conditions:
CELSR1-related disorder. Also called: CELSR1-related condition.

Allele frequency attached by ClinVar (database versions not stated): ExAC 0.01514; 1000 Genomes Project 0.05172; TOPMed 0.05216; ESP Exome Variant Server 0.05276; 1000 Genomes Project 30x 0.05528.
gnomAD v4.1: 14,222 of 1,612,330 alleles (0.88%); highest among the groups gnomAD compares: African/African-American, 16%; 1,043 homozygotes.

Submission:

PreventionGenetics, part of Exact Sciences
Classification: Benign for CELSR1-related condition. Last evaluated: 2019-10-29. Review status: no assertion criteria provided. Collection method: clinical testing. Allele origin: germline.
Comment: This variant is classified as benign based on ACMG/AMP sequence variant interpretation guidelines (Richards et al. 2015 PMID: 25741868, with internal and published modifications).

NM_001378328.1(CELSR1):c.1821G>A (p.Thr607=)

Gene: CELSR1 (cadherin EGF LAG seven-pass G-type receptor 1; minus strand). Cytogenetic location: 22q13.31.
Variant type: single nucleotide variant.
Coding change: c.1821G>A on transcript NM_001378328.1 (MANE Select); coding-DNA position 1821, G replaced by A.
Protein change: p.Thr607=; no amino-acid change (threonine 607 retained).
Molecular consequence: synonymous variant.
Genome position (GRCh38, 1-based): chr22:46,535,350, C>T on the plus strand (G>A on the coding strand, the complement: CELSR1 is on the minus strand). VCF-style: chr22-46535350-C-T. GRCh37 (hg19) VCF-style: chr22-46931247-C-T.
Other names: c.1821G>A, p.Thr607= (NM_014246.4).
Identifiers: ClinVar variation 3055342 (VCV003055342.2), dbSNP rs35637956, ClinGen allele CA10295402.